The following is an entry in ClinVar:

ClinVar aggregate classification (germline): Conflicting classifications of pathogenicity. Review status: criteria provided, conflicting classifications (1 of 4 stars). 4 submissions from 4 submitters: Uncertain significance (1); Likely benign (3). Last evaluated 2026-01-26.

Conditions:
Dilated cardiomyopathy 1G (CMD1G). Identifiers: Orphanet 154, MedGen C1858763, MONDO:0011400, OMIM 604145.
Autosomal recessive limb-girdle muscular dystrophy type 2J (LGMDR10). Also called: Limb-girdle muscular dystrophy, type 2J; MUSCULAR DYSTROPHY, LIMB-GIRDLE, AUTOSOMAL RECESSIVE 10. Identifiers: Orphanet 140922, MedGen C1837342, MONDO:0012127, OMIM 608807.

Allele frequency attached by ClinVar (database versions not stated): TOPMed below 0.00001; gnomAD 0.00001 and 0.00002; gnomAD exomes 0.00005; 1000 Genomes Project 0.00020; 1000 Genomes Project 30x 0.00031.

Submissions (4):

Labcorp Genetics (formerly Invitae), Labcorp
Classification: Likely benign for Dilated cardiomyopathy 1G; Autosomal recessive limb-girdle muscular dystrophy type 2J. Last evaluated: 2026-01-26. Review status: criteria provided, single submitter. Criteria: Invitae Variant Classification Sherloc (09022015). Collection method: clinical testing. Allele origin: germline.

CeGaT Center for Human Genetics Tuebingen
Classification: Likely benign. Last evaluated: 2025-02-01. Review status: criteria provided, single submitter. Criteria: CeGaT Center For Human Genetics Tuebingen Variant Classification Criteria Version 2. Collection method: clinical testing. Allele origin: germline. Affected: yes. Observed: 1 variant allele.
Comment: TTN: BP4, BP7

Blueprint Genetics
Classification: Likely benign. Last evaluated: 2023-05-09. Review status: criteria provided, single submitter. Criteria: ACMG Guidelines, 2015. Collection method: clinical testing. Allele origin: germline.

Eurofins Ntd Llc (ga)
Classification: Uncertain significance. Last evaluated: 2014-03-06. Review status: criteria provided, single submitter. Criteria: EGL Classification Definitions 2015. Collection method: clinical testing. Allele origin: germline. Observed: 2 variant alleles, 2 heterozygotes.

NM_001267550.2(TTN):c.17346C>T (p.Asn5782=)

Genes: TTN (titin; minus strand), LOC126806431 (CDK7 strongly-dependent group 2 enhancer GRCh37_chr2:179595719-179596918; plus strand). Cytogenetic location: 2q31.2.
Variant type: single nucleotide variant.
Coding change: c.17346C>T on transcript NM_001267550.2 (MANE Select); coding-DNA position 17346, C replaced by T.
Protein change: p.Asn5782=; no amino-acid change (asparagine 5782 retained).
Molecular consequence: synonymous variant. On other transcripts: intron variant (3).
Genome position (GRCh38, 1-based): chr2:178,731,420, G>A on the plus strand (C>T on the coding strand, the complement: TTN is on the minus strand). VCF-style: chr2-178731420-G-A. GRCh37 (hg19) VCF-style: chr2-179596147-G-A.
Other names: c.16395C>T, p.Asn5465= (NM_001256850.1); c.13614C>T, p.Asn4538= (NM_133378.4); c.13282+6662C>T (NM_003319.4); c.13858+6662C>T (NM_133437.4); c.13657+6662C>T (NM_133432.3).
Identifiers: ClinVar variation 167801 (VCV000167801.34), dbSNP rs535281449, ClinGen allele CA235153.